The following is an entry in ClinVar:

NM_025114.4(CEP290):c.6960+5_6960+8del

Gene: CEP290 (centrosomal protein 290; minus strand). Cytogenetic location: 12q21.32.
Variant type: Microsatellite.
Coding change: c.6960+5_6960+8del on transcript NM_025114.4 (MANE Select); bases 5 to 8 of the intron after coding-DNA position 6960, 4 bases deleted (GTAA; older notation c.6960+5_6960+8delGTAA).
Molecular consequence: splice donor variant.
Genome position (GRCh38, 1-based): chr12:88,055,568-88,055,571, TTAC deleted on the plus strand (GTAA on the coding strand, the reverse complement: CEP290 is on the minus strand); deleting any 4 consecutive bases within chr12:88,055,568-88,055,575 gives the same sequence; the c. name uses the placement nearest the transcript's 3' end. VCF-style (leftmost placement, unchanged base first): chr12-88055567-GTTAC-G. GRCh37 (hg19) VCF-style: chr12-88449344-GTTAC-G.
Identifiers: ClinVar variation 842582 (VCV000842582.7), dbSNP rs2033930168, ClinGen allele CA916083320.

ClinVar aggregate classification (germline): Uncertain significance. Review status: criteria provided, single submitter (1 of 4 stars). 2 submissions from 2 submitters: Uncertain significance (1). 1 of the submissions does not count toward it. Last evaluated 2023-08-04.

Conditions:
Meckel-Gruber syndrome. Also called: DYSENCEPHALIA SPLANCHNOCYSTICA; GRUBER SYNDROME; Dysencephalia splachnocystica. Identifiers: Orphanet 564, MedGen C0265215, MONDO:0018921.
Nephronophthisis. Also called: Juvenile Nephronophthisis. Identifiers: Orphanet 655, MedGen C0687120, MONDO:0019005, HP:0000090.
Joubert syndrome. Also called: CEREBELLOPARENCHYMAL DISORDER IV; JOUBERT-BOLTSHAUSER SYNDROME; Familial aplasia of the vermis. Identifiers: Orphanet 475, MedGen C5979921, MONDO:0018772.
Leber congenital amaurosis (LCA). Also called: Leber's amaurosis. Identifiers: Orphanet 65, MedGen C0339527, MeSH D057130, MONDO:0018998.

Submissions (2):

Labcorp Genetics (formerly Invitae), Labcorp
Classification: Uncertain significance for Joubert syndrome; Meckel-Gruber syndrome; Nephronophthisis. Last evaluated: 2023-08-04. Review status: criteria provided, single submitter. Criteria: Invitae Variant Classification Sherloc (09022015). Collection method: clinical testing. Allele origin: germline.
Comment: This variant is not present in population databases (gnomAD no frequency). This sequence change falls in intron 50 of the CEP290 gene. It does not directly change the encoded amino acid sequence of the CEP290 protein. It affects a nucleotide within the consensus splice site. This variant has not been reported in the literature in individuals affected with CEP290-related conditions. ClinVar contains an entry for this variant (Variation ID: 842582). Variants that disrupt the consensus splice site are a relatively common cause of aberrant splicing (PMID: 17576681, 9536098). Algorithms developed to predict the effect of sequence changes on RNA splicing suggest that this variant is not likely to affect RNA splicing. In summary, the available evidence is currently insufficient to determine the role of this variant in disease. Therefore, it has been classified as a Variant of Uncertain Significance.

Natera, Inc.
Classification: Uncertain significance for Leber congenital amaurosis. Last evaluated: 2021-10-04. Review status: no assertion criteria provided. Collection method: clinical testing. Allele origin: germline. Not counted in ClinVar's aggregate classification.

Literature cited by the submitters: PubMed 17576681 (cited by Labcorp Genetics (formerly Invitae), Labcorp); PubMed 9536098 (cited by Labcorp Genetics (formerly Invitae), Labcorp).